The following is an entry in ClinVar:

NM_001372106.1(DNAH10):c.13392C>T (p.Asn4464=)

Genes: DNAH10 (dynein axonemal heavy chain 10; plus strand), DNAH10OS (dynein axonemal heavy chain 10 opposite strand; minus strand). Cytogenetic location: 12q24.31.
Variant type: single nucleotide variant.
Coding change: c.13392C>T on transcript NM_001372106.1 (MANE Select); coding-DNA position 13392, C replaced by T.
Protein change: p.Asn4464=; no amino-acid change (asparagine 4464 retained).
Molecular consequence: synonymous variant.
Genome position (GRCh38, 1-based): chr12:123,933,426, C>T. VCF-style: chr12-123933426-C-T. GRCh37 (hg19) VCF-style: chr12-124417973-C-T.
Other names: c.13038C>T, p.Asn4346= (NM_207437.3).
Identifiers: ClinVar variation 402626 (VCV000402626.5), dbSNP rs56219209, ClinGen allele CA6866225.

ClinVar aggregate classification (germline): Benign. Review status: criteria provided, multiple submitters, no conflicts (2 of 4 stars). 2 submissions from 2 submitters: Benign (2). Last evaluated 2016-03-29.

Allele frequency attached by ClinVar (database versions not stated): 1000 Genomes Project 30x 0.00734; 1000 Genomes Project 0.00799; ExAC 0.01340; gnomAD 0.01349 and 0.01350; TOPMed 0.01371; gnomAD exomes 0.01377 and 0.01920; ESP Exome Variant Server 0.01484.
gnomAD v4.1: 30,059 of 1,612,662 alleles (1.9%); highest among the groups gnomAD compares: Middle Eastern, 2.8%; 354 homozygotes.

Submissions (2):

Laboratory for Molecular Medicine, Mass General Brigham Personalized Medicine
Classification: Benign. Last evaluated: 2016-03-29. Review status: criteria provided, single submitter. Criteria: LMM Criteria. Collection method: clinical testing. Allele origin: germline.
Comment: Variant identified in a genome or exome case(s) and assessed due to predicted null impact of the variant or pathogenic assertions in the literature or databases. Disclaimer: This variant has not undergone full assessment. The following are preliminary notes: Silent, not in splice consensus

Breakthrough Genomics
Classification: Benign. Review status: criteria provided, single submitter. Criteria: ACMG Guidelines, 2015. Collection method: not provided. Allele origin: germline. Inheritance: Autosomal recessive inheritance. Affected: yes.